The following is an entry in ClinVar:

ClinVar aggregate classification (germline): Uncertain significance (1 of 4 stars; one submission).

Conditions:
Cardiovascular phenotype. Identifiers: MedGen CN230736.

Submission:

Ambry Genetics
Classification: Uncertain significance for Cardiovascular phenotype. Last evaluated: 2026-07-02. Review status: criteria provided, single submitter. Criteria: Ambry Variant Classification Scheme 2023. Collection method: clinical testing. Allele origin: germline.
Comment: The p.F1690C variant (also known as c.5069T>G), located in coding exon 26 of the APOB gene, results from a T to G substitution at nucleotide position 5069. The phenylalanine at codon 1690 is replaced by cysteine, an amino acid with highly dissimilar properties. This amino acid position is conserved. In addition, this alteration is predicted to be tolerated by in silico analysis. Based on the available evidence, the clinical significance of this variant remains unclear.

NM_000384.3(APOB):c.5069T>G (p.Phe1690Cys)

Gene: APOB (apolipoprotein B; minus strand). Cytogenetic location: 2p24.1.
Variant type: single nucleotide variant.
Coding change: c.5069T>G on transcript NM_000384.3 (MANE Select); coding-DNA position 5069, T replaced by G.
Protein change: p.Phe1690Cys; replaces phenylalanine 1690 with cysteine.
Molecular consequence: missense variant.
Genome position (GRCh38, 1-based): chr2:21,011,799, A>C on the plus strand (T>G on the coding strand, the complement: APOB is on the minus strand). VCF-style: chr2-21011799-A-C. GRCh37 (hg19) VCF-style: chr2-21234671-A-C.
Other names: short protein forms F1690C.
Identifiers: ClinVar variation 5027435 (VCV005027435.1).
Genomic context (GRCh38, chr2:21,011,799, plus strand): 5'-AGTGATAGCTCTGTGAGGGCGGCTTTCCCATCCAGACTGAATTTTGCATTGTGTTCCCTG[A>C]AGCGGCCATTTGTTGTTAATTTCATAGATGCCCCAGAGAGGCCAAGCTCTGCATTCAGCT-3'
Protein context (NP_000375.3, residues 1680-1700): ASMKLTTNGR[Phe1690Cys]REHNAKFSLD